The following is an entry in ClinVar:

NM_017534.6(MYH2):c.897A>T (p.Glu299Asp)

Genes: MYHAS (myosin heavy chain gene cluster antisense RNA; plus strand), MYH2 (myosin heavy chain 2; minus strand). Cytogenetic location: 17p13.1.
Variant type: single nucleotide variant.
Coding change: c.897A>T on transcript NM_017534.6 (MANE Select); coding-DNA position 897, A replaced by T.
Protein change: p.Glu299Asp; replaces glutamic acid 299 with aspartic acid.
Molecular consequence: missense variant.
Genome position (GRCh38, 1-based): chr17:10,542,882, T>A on the plus strand (A>T on the coding strand, the complement: MYH2 is on the minus strand). VCF-style: chr17-10542882-T-A. GRCh37 (hg19) VCF-style: chr17-10446199-T-A.
Other names: c.897A>T, p.Glu299Asp (NM_001100112.2); short protein forms E299D.
Identifiers: ClinVar variation 1465877 (VCV001465877.8), dbSNP rs201854230, ClinGen allele CA8391503.

ClinVar aggregate classification (germline): Uncertain significance (1 of 4 stars; one submission).

Conditions:
Myopathy, proximal, and ophthalmoplegia (CMYO6). Also called: INCLUSION BODY MYOPATHY 3, AUTOSOMAL DOMINANT; MYOPATHY WITH CONGENITAL JOINT CONTRACTURES, OPHTHALMOPLEGIA, AND RIMMED VACUOLES; CONGENITAL MYOPATHY 6 WITH OPHTHALMOPLEGIA. Identifiers: Orphanet 363677, Orphanet 79091, MedGen C1854106, MONDO:0011577, OMIM 605637.

Allele frequency attached by ClinVar (database versions not stated): gnomAD exomes below 0.00001; ExAC 0.00001; gnomAD 0.00001; 1000 Genomes Project 0.00020; 1000 Genomes Project 30x 0.00031.
gnomAD v4.1: 2 of 1,593,518 alleles (0.00013%); highest among the groups gnomAD compares: African/African-American, 0.0027%; no homozygotes.

Submission:

Labcorp Genetics (formerly Invitae), Labcorp
Classification: Uncertain significance for Myopathy, proximal, and ophthalmoplegia. Last evaluated: 2021-06-16. Review status: criteria provided, single submitter. Criteria: Invitae Variant Classification Sherloc (09022015). Collection method: clinical testing. Allele origin: germline.
Comment: In summary, the available evidence is currently insufficient to determine the role of this variant in disease. Therefore, it has been classified as a Variant of Uncertain Significance. Algorithms developed to predict the effect of missense changes on protein structure and function are either unavailable or do not agree on the potential impact of this missense change (SIFT: "Deleterious"; PolyPhen-2: "Benign"; Align-GVGD: "Class C35"). This variant has not been reported in the literature in individuals with MYH2-related conditions. This variant is present in population databases (rs201854230, ExAC 0.01%). This sequence change replaces glutamic acid with aspartic acid at codon 299 of the MYH2 protein (p.Glu299Asp). The glutamic acid residue is highly conserved and there is a small physicochemical difference between glutamic acid and aspartic acid.